The following is an entry in ClinVar:

NM_004958.4(MTOR):c.157dup (p.Arg53fs)

Gene: MTOR (mechanistic target of rapamycin kinase; minus strand). Cytogenetic location: 1p36.22.
Variant type: Duplication.
Coding change: c.157dup on transcript NM_004958.4 (MANE Select); coding-DNA position 157, one base duplicated (C; older notation c.157dupC).
Protein change: p.Arg53fs; shifts the reading frame from arginine 53.
Molecular consequence: frameshift variant. On other transcripts: 5 prime UTR variant (1).
Genome position (GRCh38, 1-based): chr1:11,259,253, G duplicated on the plus strand (C on the coding strand, the reverse complement: MTOR is on the minus strand); the first of 2 consecutive G bases (chr1:11,259,253-11,259,254); duplicating either gives the same sequence. VCF-style (leftmost placement, unchanged base first): chr1-11259252-C-CG. GRCh37 (hg19) VCF-style: chr1-11319309-C-CG.
Other names: c.157dup, p.Arg53fs (NM_001386500.1); c.-983dup (NM_001386501.1); short protein forms R53fs.
Identifiers: ClinVar variation 1407560 (VCV001407560.6), dbSNP rs2100986052, ClinGen allele CA2573130713.
Genomic context (GRCh38, chr1:11,259,252, plus strand): 5'-GATGGTACATTTAGCCCACACATCCCACAATGACTGGCCCCAGATCCCAGAAGCACCTCT[C>CG]GGAGTTCCATGGTGACATAGTGCTGGAGCTCCTTGGCGGCTTTGGCCCTGGTTTCCTCAT-3'

ClinVar aggregate classification (germline): Uncertain significance (1 of 4 stars; one submission).

Submission:

Labcorp Genetics (formerly Invitae), Labcorp
Classification: Uncertain significance. Last evaluated: 2021-02-06. Review status: criteria provided, single submitter. Criteria: Invitae Variant Classification Sherloc (09022015). Collection method: clinical testing. Allele origin: germline.
Comment: This variant has not been reported in the literature in individuals with MTOR-related conditions. This sequence change creates a premature translational stop signal (p.Arg53Profs*13) in the MTOR gene. It is expected to result in an absent or disrupted protein product. However, the current clinical and genetic evidence is not sufficient to establish whether loss-of-function variants in MTOR cause disease. This variant is not present in population databases (ExAC no frequency). In summary, the available evidence is currently insufficient to determine the role of this variant in disease. Therefore, it has been classified as a Variant of Uncertain Significance.